The following is an entry in ClinVar:

NM_000387.6(SLC25A20):c.244del (p.Val82fs)

Gene: SLC25A20 (solute carrier family 25 member 20; minus strand). Cytogenetic location: 3p21.31.
Variant type: Deletion.
Coding change: c.244del on transcript NM_000387.6 (MANE Select); coding-DNA position 244, one base deleted (G; older notation c.244delG).
Protein change: p.Val82fs; shifts the reading frame from valine 82.
Molecular consequence: frameshift variant.
Genome position (GRCh38, 1-based): chr3:48,884,079, C deleted on the plus strand (G on the coding strand, the reverse complement: SLC25A20 is on the minus strand); the first of 4 consecutive C bases (chr3:48,884,079-48,884,082); deleting any one gives the same sequence. VCF-style (leftmost placement, unchanged base first): chr3-48884078-AC-A. GRCh37 (hg19) VCF-style: chr3-48921511-AC-A.
Other names: short protein forms V82fs.
Identifiers: ClinVar variation 2989230 (VCV002989230.4), dbSNP rs2083814457, ClinGen allele CA658760343.

ClinVar aggregate classification (germline): Pathogenic/Likely pathogenic. Review status: criteria provided, multiple submitters, no conflicts (2 of 4 stars). 2 submissions from 2 submitters: Pathogenic (1); Likely pathogenic (1). Last evaluated 2024-02-29.

Conditions:
Carnitine acylcarnitine translocase deficiency (CACTD). Identifiers: Orphanet 159, MedGen C0342791, MONDO:0008918, OMIM 212138.

Submissions (2):

Fulgent Genetics
Classification: Likely pathogenic for Carnitine acylcarnitine translocase deficiency. Last evaluated: 2024-02-29. Review status: criteria provided, single submitter. Criteria: ACMG Guidelines, 2015. Collection method: clinical testing. Allele origin: germline.

Labcorp Genetics (formerly Invitae), Labcorp
Classification: Pathogenic for Carnitine acylcarnitine translocase deficiency. Last evaluated: 2023-05-28. Review status: criteria provided, single submitter. Criteria: Invitae Variant Classification Sherloc (09022015). Collection method: clinical testing. Allele origin: germline.
Comment: This variant has not been reported in the literature in individuals affected with SLC25A20-related conditions. This sequence change creates a premature translational stop signal (p.Val82Serfs*47) in the SLC25A20 gene. It is expected to result in an absent or disrupted protein product. Loss-of-function variants in SLC25A20 are known to be pathogenic (PMID: 25614308). This variant is not present in population databases (gnomAD no frequency). For these reasons, this variant has been classified as Pathogenic.

Literature cited by the submitters: PubMed 25614308 (cited by Labcorp Genetics (formerly Invitae), Labcorp).